The following is an entry in ClinVar:

NM_003072.5(SMARCA4):c.1707del (p.Gln570fs)

Gene: SMARCA4 (SWI/SNF related BAF chromatin remodeling complex subunit ATPase 4; plus strand). Cytogenetic location: 19p13.2.
Variant type: Deletion.
Coding change: c.1707del on transcript NM_003072.5 (MANE Select); coding-DNA position 1707, one base deleted (G; older notation c.1707delG).
Protein change: p.Gln570fs; shifts the reading frame from glutamine 570.
Molecular consequence: frameshift variant. On other transcripts: non-coding transcript variant (1).
Genome position (GRCh38, 1-based): chr19:10,996,326, G deleted; the last of 2 consecutive G bases (chr19:10,996,325-10,996,326); deleting either gives the same sequence. VCF-style (leftmost placement, unchanged base first): chr19-10996324-CG-C. GRCh37 (hg19) VCF-style: chr19-11107000-CG-C.
Other names: c.1707del, p.Gln570fs (NM_001411150.1, NM_001128848.2, NM_001128849.3 and 6 more transcripts); short protein forms Q570fs.
Identifiers: ClinVar variation 4864801 (VCV004864801.1).

ClinVar aggregate classification (germline): Pathogenic (1 of 4 stars; one submission).

Conditions:
Hereditary cancer-predisposing syndrome. Also called: Neoplastic Syndromes, Hereditary; Tumor predisposition; Hereditary Cancer Syndrome; Hereditary neoplastic syndrome. Identifiers: Orphanet 140162, MedGen C0027672, MeSH D009386, MONDO:0015356.

Submission:

Ambry Genetics
Classification: Pathogenic for Hereditary cancer-predisposing syndrome. Last evaluated: 2026-06-12. Review status: criteria provided, single submitter. Criteria: Ambry Variant Classification Scheme 2023. Collection method: clinical testing. Allele origin: germline.
Comment: The c.1707delG pathogenic mutation, located in coding exon 9 of the SMARCA4 gene, results from a deletion of one nucleotide at nucleotide position 1707, causing a translational frameshift with a predicted alternate stop codon (p.Q570Sfs*43). This variant is considered to be rare based on population cohorts in the Genome Aggregation Database (gnomAD). This alteration is expected to result in loss of function by premature protein truncation or nonsense-mediated mRNA decay. Based on the supporting evidence, this variant is pathogenic for rhabdoid tumor predisposition syndrome; however, the association of this variant with Coffin-Siris syndrome is unlikely.